The following is an entry in ClinVar:

NM_015404.4(WHRN):c.2322C>T (p.Ser774=)

Gene: WHRN (whirlin; minus strand). Cytogenetic location: 9q32.
Variant type: single nucleotide variant.
Coding change: c.2322C>T on transcript NM_015404.4 (MANE Select); coding-DNA position 2322, C replaced by T.
Protein change: p.Ser774=; no amino-acid change (serine 774 retained).
Molecular consequence: synonymous variant.
Genome position (GRCh38, 1-based): chr9:114,403,992, G>A on the plus strand (C>T on the coding strand, the complement: WHRN is on the minus strand). VCF-style: chr9-114403992-G-A. GRCh37 (hg19) VCF-style: chr9-117166272-G-A.
Other names: c.1173C>T, p.Ser391= (NM_001083885.3); c.2319C>T, p.Ser773= (NM_001173425.2); c.1269C>T, p.Ser423= (NM_001346890.1).
Identifiers: ClinVar variation 227292 (VCV000227292.35), dbSNP rs55966714, ClinGen allele CA5205668.

ClinVar aggregate classification (germline): Conflicting classifications of pathogenicity. Review status: criteria provided, conflicting classifications (1 of 4 stars). 8 submissions from 7 submitters: Uncertain significance (2); Likely benign (6). Last evaluated 2026-07-01.

Conditions:
Autosomal recessive nonsyndromic hearing loss 31. Also called: WHIRLER, MOUSE, HOMOLOG OF. Identifiers: Orphanet 90636, MedGen C1846839, MONDO:0011767, OMIM 607084.
Usher syndrome type 2D. Also called: USHER SYNDROME, TYPE IID. Identifiers: Orphanet 231178, Orphanet 886, MedGen C1568249, MONDO:0012662, OMIM 611383.

Allele frequency attached by ClinVar (database versions not stated): 1000 Genomes Project 0.00040; gnomAD exomes 0.00056; ExAC 0.00059; gnomAD 0.00062; TOPMed 0.00064; 1000 Genomes Project 30x 0.00078; ESP Exome Variant Server 0.00100.
gnomAD v4.1: 1,553 of 1,612,590 alleles (0.096%); highest among the groups gnomAD compares: Non-Finnish European, 0.12%; 1 homozygote.

Submissions (8):

CeGaT Center for Human Genetics Tuebingen
Classification: Likely benign. Last evaluated: 2026-07-01. Review status: criteria provided, single submitter. Criteria: CeGaT Center For Human Genetics Tuebingen Variant Classification Criteria Version 2. Collection method: clinical testing. Allele origin: germline. Affected: yes. Observed: 2 variant alleles.
Comment: WHRN: BP4, BP7

Labcorp Genetics (formerly Invitae), Labcorp
Classification: Likely benign. Last evaluated: 2026-01-13. Review status: criteria provided, single submitter. Criteria: Invitae Variant Classification Sherloc (09022015). Collection method: clinical testing. Allele origin: germline.

Blueprint Genetics
Classification: Likely benign. Last evaluated: 2024-11-14. Review status: criteria provided, single submitter. Criteria: ACMG Guidelines, 2015. Collection method: clinical testing. Allele origin: germline.

GeneDx
Classification: Likely benign. Last evaluated: 2021-02-04. Review status: criteria provided, single submitter. Criteria: GeneDx Variant Classification Process June 2021. Collection method: clinical testing. Allele origin: germline. Affected: yes.

Athena Diagnostics
Classification: Likely benign. Last evaluated: 2020-04-14. Review status: criteria provided, single submitter. Criteria: Athena Diagnostics Criteria. Collection method: clinical testing. Allele origin: unknown.

Illumina Laboratory Services, Illumina
Classification: Uncertain significance for Autosomal recessive nonsyndromic hearing loss 31. Last evaluated: 2018-01-13. Review status: criteria provided, single submitter. Criteria: ICSL Variant Classification Criteria 13 December 2019. Collection method: clinical testing. Allele origin: germline.

Illumina Laboratory Services, Illumina
Classification: Uncertain significance for Usher syndrome type 2D. Last evaluated: 2018-01-13. Review status: criteria provided, single submitter. Criteria: ICSL Variant Classification Criteria 13 December 2019. Collection method: clinical testing. Allele origin: germline.

Laboratory for Molecular Medicine, Mass General Brigham Personalized Medicine
Classification: Likely benign. Last evaluated: 2017-10-26. Review status: criteria provided, single submitter. Criteria: LMM Criteria. Collection method: clinical testing. Allele origin: germline. Observed: 3 variant alleles.
Comment: p.Ser774Ser in Exon 10 of WHRN: This variant is not expected to have clinical si gnificance because it does not alter an amino acid residue, is not located withi n the splice consensus sequence, and has been identified in 0.1% (120/126604) of European chromosomes by the Genome Aggregation Database (gnomAD.; dbSNP rs55966714).